The following is an entry in ClinVar:

ClinVar aggregate classification (germline): Uncertain significance (1 of 4 stars; one submission).

Conditions:
Acrocallosal syndrome (ACLS). Also called: HALLUX DUPLICATION, POSTAXIAL POLYDACTYLY, AND ABSENCE OF CORPUS CALLOSUM; Schinzel syndrome 1; Absence of corpus callosum with unusual facial appearance, mental deficiency, duplication of the halluces and polydactyly. Identifiers: Orphanet 36, MedGen C0796147, MONDO:0008708, OMIM 200990.

Submission:

Labcorp Genetics (formerly Invitae), Labcorp
Classification: Uncertain significance for Acrocallosal syndrome. Last evaluated: 2022-04-12. Review status: criteria provided, single submitter. Criteria: Invitae Variant Classification Sherloc (09022015). Collection method: clinical testing. Allele origin: germline.
Comment: In summary, the available evidence is currently insufficient to determine the role of this variant in disease. Therefore, it has been classified as a Variant of Uncertain Significance. Algorithms developed to predict the effect of missense changes on protein structure and function (SIFT, PolyPhen-2, Align-GVGD) all suggest that this variant is likely to be disruptive. This variant has not been reported in the literature in individuals affected with KIF7-related conditions. This variant is not present in population databases (gnomAD no frequency). This sequence change replaces arginine, which is basic and polar, with glycine, which is neutral and non-polar, at codon 1111 of the KIF7 protein (p.Arg1111Gly).

NM_198525.3(KIF7):c.3331C>G (p.Arg1111Gly)

Genes: KIF7 (kinesin family member 7; minus strand), LOC126862216 (BRD4-independent group 4 enhancer GRCh37_chr15:90171995-90173194; plus strand). Cytogenetic location: 15q26.1.
Variant type: single nucleotide variant.
Coding change: c.3331C>G on transcript NM_198525.3 (MANE Select); coding-DNA position 3331, C replaced by G.
Protein change: p.Arg1111Gly; replaces arginine 1111 with glycine.
Molecular consequence: missense variant.
Genome position (GRCh38, 1-based): chr15:89,629,561, G>C on the plus strand (C>G on the coding strand, the complement: KIF7 is on the minus strand). VCF-style: chr15-89629561-G-C. GRCh37 (hg19) VCF-style: chr15-90172792-G-C.
Other names: short protein forms R1111G.
Identifiers: ClinVar variation 2180641 (VCV002180641.4), dbSNP rs778139192, ClinGen allele CA393755756.